The following is an entry in ClinVar:

ClinVar aggregate classification (germline): Conflicting classifications of pathogenicity. Review status: criteria provided, conflicting classifications (1 of 4 stars). 3 submissions from 3 submitters: Uncertain significance (2); Likely benign (1). Last evaluated 2025-06-15.

Conditions:
Long QT syndrome (LQTS). Identifiers: MedGen C0023976, MeSH D008133, MONDO:0002442. Disease mechanism: loss of function. Inheritance: Various modes of inheritance.
Cardiovascular phenotype. Identifiers: MedGen CN230736.
Long QT syndrome 11 (LQT11). Identifiers: Orphanet 101016, Orphanet 768, MedGen C2678483, MONDO:0012738, OMIM 611820.

Allele frequency attached by ClinVar (database versions not stated): gnomAD exomes below 0.00001; gnomAD 0.00001; TOPMed 0.00005.
gnomAD v4.1: 7 of 1,613,902 alleles (0.00043%); highest among the groups gnomAD compares: African/African-American, 0.0013%; no homozygotes.

Submissions (3):

Labcorp Genetics (formerly Invitae), Labcorp
Classification: Uncertain significance for Long QT syndrome. Last evaluated: 2025-06-15. Review status: criteria provided, single submitter. Criteria: Invitae Variant Classification Sherloc (09022015). Collection method: clinical testing. Allele origin: germline.
Comment: This sequence change replaces isoleucine, which is neutral and non-polar, with valine, which is neutral and non-polar, at codon 3439 of the AKAP9 protein (p.Ile3439Val). This variant is present in population databases (no rsID available, gnomAD 0.002%). This variant has not been reported in the literature in individuals affected with AKAP9-related conditions. ClinVar contains an entry for this variant (Variation ID: 1505527). An algorithm developed to predict the effect of missense changes on protein structure and function (PolyPhen-2) suggests that this variant is likely to be disruptive. In summary, the available evidence is currently insufficient to determine the role of this variant in disease. Therefore, it has been classified as a Variant of Uncertain Significance.

Ambry Genetics
Classification: Likely benign for Cardiovascular phenotype. Last evaluated: 2024-05-31. Review status: criteria provided, single submitter. Criteria: Ambry Variant Classification Scheme 2023. Collection method: clinical testing. Allele origin: germline.

Fulgent Genetics
Classification: Uncertain significance for Long QT syndrome 11. Last evaluated: 2021-10-28. Review status: criteria provided, single submitter. Criteria: ACMG Guidelines, 2015. Collection method: clinical testing. Allele origin: unknown.

NM_005751.5(AKAP9):c.10315A>G (p.Ile3439Val)

Gene: AKAP9 (A-kinase anchoring protein 9; plus strand). Cytogenetic location: 7q21.2.
Variant type: single nucleotide variant.
Coding change: c.10315A>G on transcript NM_005751.5 (MANE Select); coding-DNA position 10315, A replaced by G.
Protein change: p.Ile3439Val; replaces isoleucine 3439 with valine.
Molecular consequence: missense variant.
Genome position (GRCh38, 1-based): chr7:92,097,274, A>G. VCF-style: chr7-92097274-A-G. GRCh37 (hg19) VCF-style: chr7-91726588-A-G.
Other names: c.4960A>G, p.Ile1654Val (NM_001379277.1); c.10291A>G, p.Ile3431Val (NM_147185.3); short protein forms I1654V, I3439V, I3431V.
Identifiers: ClinVar variation 1505527 (VCV001505527.10), dbSNP rs1040204302, ClinGen allele CA161897129.